The following is an entry in ClinVar:

NM_001365536.1(SCN9A):c.4399-3T>C

Genes: SCN1A-AS1 (SCN1A and SCN9A antisense RNA 1; plus strand), SCN9A (sodium voltage-gated channel alpha subunit 9; minus strand). Cytogenetic location: 2q24.3.
Variant type: single nucleotide variant.
Coding change: c.4399-3T>C on transcript NM_001365536.1 (MANE Select); 3 bases into the intron before coding-DNA position 4399, T replaced by C.
Molecular consequence: intron variant.
Genome position (GRCh38, 1-based): chr2:166,204,467, A>G on the plus strand (T>C on the coding strand, the complement: SCN9A is on the minus strand). VCF-style: chr2-166204467-A-G. GRCh37 (hg19) VCF-style: chr2-167060977-A-G.
Other names: c.4366-3T>C (NM_002977.4).
Identifiers: ClinVar variation 3749192 (VCV003749192.2).

ClinVar aggregate classification (germline): Uncertain significance (1 of 4 stars; one submission).

Conditions:
Generalized epilepsy with febrile seizures plus, type 7 (GEFSP7). Also called: GEFS+, TYPE 7. Identifiers: Orphanet 36387, MedGen C2751778, MONDO:0013470, OMIM 613863.
Neuropathy, hereditary sensory and autonomic, type 2A (HSAN2A). Also called: MORVAN DISEASE; NEUROPATHY, CONGENITAL SENSORY; NEUROPATHY, HEREDITARY SENSORY RADICULAR, AUTOSOMAL RECESSIVE; NEUROPATHY, HEREDITARY SENSORY, TYPE IIA; NEUROPATHY, PROGRESSIVE SENSORY, OF CHILDREN; HSAN IIA. Identifiers: Orphanet 970, MedGen C2752089, MONDO:0024309, OMIM 201300.

Submission:

Labcorp Genetics (formerly Invitae), Labcorp
Classification: Uncertain significance for Neuropathy, hereditary sensory and autonomic, type 2A; Generalized epilepsy with febrile seizures plus, type 7. Last evaluated: 2024-12-22. Review status: criteria provided, single submitter. Criteria: Invitae Variant Classification Sherloc (09022015). Collection method: clinical testing. Allele origin: germline.
Comment: This sequence change falls in intron 24 of the SCN9A gene. It does not directly change the encoded amino acid sequence of the SCN9A protein. It affects a nucleotide within the consensus splice site. This variant is not present in population databases (gnomAD no frequency). This variant has not been reported in the literature in individuals affected with SCN9A-related conditions. Variants that disrupt the consensus splice site are a relatively common cause of aberrant splicing (PMID: 17576681, 9536098). Algorithms developed to predict the effect of sequence changes on RNA splicing suggest that this variant is not likely to affect RNA splicing. In summary, the available evidence is currently insufficient to determine the role of this variant in disease. Therefore, it has been classified as a Variant of Uncertain Significance.

Literature cited by the submitters: PubMed 17576681; PubMed 9536098.